The following is an entry in ClinVar:

ClinVar aggregate classification (germline): Uncertain significance (1 of 4 stars; one submission).

Conditions:
Inborn genetic diseases. Identifiers: MedGen C0950123, MeSH D030342.

Allele frequency attached by ClinVar (database versions not stated): gnomAD exomes 0.00001.
gnomAD v4.1: 4 of 1,613,868 alleles (0.00025%); highest among the groups gnomAD compares: Admixed American, 0.0017%; no homozygotes.

Submission:

Ambry Genetics
Classification: Uncertain significance for Inborn genetic diseases. Last evaluated: 2021-10-29. Review status: criteria provided, single submitter. Criteria: Ambry Variant Classification Scheme 2023. Collection method: clinical testing. Allele origin: germline.
Comment: The c.218-5T>C intronic alteration consists of a T to C substitution 5 nucleotides before exon 4 of the ECM1 gene. Based on insufficient or conflicting evidence, the clinical significance of this alteration remains unclear.

NM_004425.4(ECM1):c.223+68T>C

Gene: ECM1 (extracellular matrix protein 1; plus strand). Cytogenetic location: 1q21.2.
Variant type: single nucleotide variant.
Coding change: c.223+68T>C on transcript NM_004425.4 (MANE Select); 68 bases into the intron after coding-DNA position 223, T replaced by C.
Molecular consequence: intron variant.
Genome position (GRCh38, 1-based): chr1:150,509,830, T>C. VCF-style: chr1-150509830-T-C. GRCh37 (hg19) VCF-style: chr1-150482306-T-C.
Other names: c.223+68T>C (NM_022664.3); c.218-5T>C (NM_001202858.2).
Identifiers: ClinVar variation 2255361 (VCV002255361.2), dbSNP rs1560264656, ClinGen allele CA2479189532.